The following is an entry in ClinVar:

ClinVar aggregate classification (germline): Uncertain significance (1 of 4 stars; one submission).

Conditions:
Leukodystrophy, hypomyelinating, 17. Identifiers: MedGen C4693912, MONDO:0054817, OMIM 618006.

Allele frequency attached by ClinVar (database versions not stated): gnomAD exomes below 0.00001.

Submission:

Neuberg Centre For Genomic Medicine, NCGM
Classification: Uncertain significance for Leukodystrophy, hypomyelinating, 17. Review status: criteria provided, single submitter. Criteria: ACMG Guidelines, 2015. Collection method: clinical testing. Allele origin: germline. Inheritance: Autosomal recessive inheritance. Affected: yes.
Comment: The splice region c.135G>A(p.Gln45) variant in AIMP2 gene has not been reported previously as a pathogenic variant nor a benign variant, to our knowledge. The p.Gln45 variant is novel (not in any individuals) in both gnomAD Exomes and 1000 Genomes databases. This variant has not been reported to the ClinVar database. As this variant lies in the splice region and splice AI predicts a donor loss (0.58), additional functional studies will be required to prove the pathogenicity of this variant. For these reasons, this variant has been classified as a Variant of Uncertain Significance (VUS).

NM_006303.4(AIMP2):c.135G>A (p.Gln45=)

Genes: AIMP2 (aminoacyl tRNA synthetase complex interacting multifunctional protein 2; plus strand), LOC129997917 (ATAC-STARR-seq lymphoblastoid silent region 17931; plus strand). Cytogenetic location: 7p22.1.
Variant type: single nucleotide variant.
Coding change: c.135G>A on transcript NM_006303.4 (MANE Select); coding-DNA position 135, G replaced by A.
Protein change: p.Gln45=; no amino-acid change (glutamine 45 retained).
Molecular consequence: synonymous variant. On other transcripts: 5 prime UTR variant (1), intron variant (3).
Genome position (GRCh38, 1-based): chr7:6,009,498, G>A. VCF-style: chr7-6009498-G-A. GRCh37 (hg19) VCF-style: chr7-6049129-G-A.
Other names: c.135G>A, p.Gln45= (NM_001326607.2); c.-186G>A (NM_001326609.2); c.-238+120G>A (NM_001326611.3); c.-251+120G>A (NM_001326610.2); c.15+120G>A (NM_001326606.2).
Identifiers: ClinVar variation 2664220 (VCV002664220.1), dbSNP rs2536738764, ClinGen allele CA453651307.